The following is an entry in ClinVar:

ClinVar aggregate classification (germline): Uncertain significance. Review status: criteria provided, multiple submitters, no conflicts (2 of 4 stars). 2 submissions from 2 submitters: Uncertain significance (2). Last evaluated 2025-01-15.

Conditions:
Hereditary cancer-predisposing syndrome. Also called: Neoplastic Syndromes, Hereditary; Tumor predisposition; Hereditary neoplastic syndrome; Hereditary Cancer Syndrome. Identifiers: Orphanet 140162, MedGen C0027672, MeSH D009386, MONDO:0015356.

Submissions (2):

Quest Diagnostics Nichols Institute San Juan Capistrano
Classification: Uncertain significance. Last evaluated: 2025-01-15. Review status: criteria provided, single submitter. Criteria: Quest Diagnostics criteria. Collection method: clinical testing. Allele origin: unknown.
Comment: The MSH6 c.3780_3785dup (p.Ala1261_Val1262dup) variant results in an in-frame duplication of two extra amino acids between codons 1261 and 1262. To the best of our knowledge, the variant has not been reported in individuals with MSH6-related conditions in the published literature. It also has not been reported in large, multi-ethnic general populations (Genome Aggregation Database). Based on the available information, we are unable to determine the clinical significance of this variant.

Ambry Genetics
Classification: Uncertain significance for Hereditary cancer-predisposing syndrome. Last evaluated: 2022-03-25. Review status: criteria provided, single submitter. Criteria: Ambry Variant Classification Scheme 2023. Collection method: clinical testing. Allele origin: germline.
Comment: The c.3780_3785dupTGCTGT variant (also known as p.A1261_V1262dup), located in coding exon 8 of the MSH6 gene, results from an in-frame duplication of TGCTGT at nucleotide positions 3780 to 3785. This results in the duplication of 2 extra residues (AV) between codons 1261 and 1262. This amino acid region is well conserved in available vertebrate species. In addition, this alteration is predicted to be deleterious by in silico analysis (Choi Y et al. PLoS ONE. 2012; 7(10):e46688). Since supporting evidence is limited at this time, the clinical significance of this alteration remains unclear.

NM_000179.3(MSH6):c.3780_3785dup (p.Ala1261_Val1262dup)

Gene: MSH6 (mutS homolog 6; plus strand). Cytogenetic location: 2p16.3.
Variant type: Duplication.
Coding change: c.3780_3785dup on transcript NM_000179.3 (MANE Select); coding-DNA positions 3780 to 3785, 6 bases duplicated (TGCTGT; older notation c.3780_3785dupTGCTGT).
Protein change: p.Ala1261_Val1262dup.
Molecular consequence: inframe insertion.
Genome position (GRCh38, 1-based): chr2:47,806,337-47,806,342, TGCTGT duplicated; duplicating any 6 consecutive bases within chr2:47,806,334-47,806,342 gives the same sequence; the c. name uses the placement nearest the transcript's 3' end. VCF-style (leftmost placement, unchanged base first): chr2-47806333-A-ATGTTGC. GRCh37 (hg19) VCF-style: chr2-48033472-A-ATGTTGC.
Other names: c.3390_3395dup, p.Ala1131_Val1132dup (NM_001281492.2); c.2874_2879dup, p.Ala959_Val960dup (NM_001281493.2, NM_001281494.2); c.3780_3785dupTGCTGT (NM_000179.2); c.3780_3785dup (NM_000179.2).
Identifiers: ClinVar variation 824198 (VCV000824198.5), dbSNP rs1572745187, ClinGen allele CA915943968.